The following is an entry in ClinVar:

NM_001197104.2(KMT2A):c.1616G>C (p.Gly539Ala)

Gene: KMT2A (lysine methyltransferase 2A; plus strand). Cytogenetic location: 11q23.3.
Variant type: single nucleotide variant.
Coding change: c.1616G>C on transcript NM_001197104.2 (MANE Select); coding-DNA position 1616, G replaced by C.
Protein change: p.Gly539Ala; replaces glycine 539 with alanine.
Molecular consequence: missense variant.
Genome position (GRCh38, 1-based): chr11:118,472,775, G>C. VCF-style: chr11-118472775-G-C. GRCh37 (hg19) VCF-style: chr11-118343490-G-C.
Other names: c.1715G>C, p.Gly572Ala (NM_001412597.1); c.1616G>C, p.Gly539Ala (NM_005933.4); short protein forms G539A, G572A.
Identifiers: ClinVar variation 4823117 (VCV004823117.4).
Genomic context (GRCh38, chr11:118,472,775, plus strand): 5'-CAGAAAATGAGAGTAATGATAGGAGAAGCAGAAGGTATTCAGTGTCGGAGAGAAGTTTTG[G>C]ATCTAGAACGACGAAAAAATTATCAACTCTACAAAGTGCCCCCCAGCAGCAGACCTCCTC-3'
Protein context (NP_001184033.1, residues 529-549): RRYSVSERSF[Gly539Ala]SRTTKKLSTL

ClinVar aggregate classification (germline): Uncertain significance (1 of 4 stars; one submission).

Submission:

CeGaT Center for Human Genetics Tuebingen
Classification: Uncertain significance. Last evaluated: 2026-03-01. Review status: criteria provided, single submitter. Criteria: CeGaT Center For Human Genetics Tuebingen Variant Classification Criteria Version 2. Collection method: clinical testing. Allele origin: germline. Affected: yes. Observed: 1 variant allele.
Comment: KMT2A: PM2, BP4